The following is an entry in ClinVar:

ClinVar aggregate classification (germline): Pathogenic (1 of 4 stars; one submission).

Conditions:
Hereditary cancer-predisposing syndrome. Also called: Neoplastic Syndromes, Hereditary; Tumor predisposition; Hereditary neoplastic syndrome; Hereditary Cancer Syndrome. Identifiers: Orphanet 140162, MedGen C0027672, MeSH D009386, MONDO:0015356.

Submission:

Color Diagnostics, LLC DBA Color Health
Classification: Pathogenic for Hereditary cancer-predisposing syndrome. Last evaluated: 2020-01-15. Review status: criteria provided, single submitter. Criteria: ACMG Guidelines, 2015. Collection method: clinical testing. Allele origin: germline.
Comment: This variant deletes 1 nucleotide in exon 11 of the BRCA2 gene, creating a frameshift and premature translation stop signal. This variant is expected to result in an absent or non-functional protein product. This variant has not been identified in the general population by the Genome Aggregation Database (gnomAD). Loss of BRCA2 function is a known mechanism of disease. Based on the available evidence, this variant is classified as Pathogenic.

NM_000059.4(BRCA2):c.6195del (p.Val2066fs)

Gene: BRCA2 (BRCA2 DNA repair associated; plus strand). Cytogenetic location: 13q13.1.
Variant type: Deletion.
Coding change: c.6195del on transcript NM_000059.4 (MANE Select); coding-DNA position 6195, one base deleted (A; older notation c.6195delA).
Protein change: p.Val2066fs; shifts the reading frame from valine 2066.
Molecular consequence: frameshift variant.
Genome position (GRCh38, 1-based): chr13:32,340,550, A deleted; the last of 2 consecutive A bases (chr13:32,340,549-32,340,550); deleting either gives the same sequence. VCF-style (leftmost placement, unchanged base first): chr13-32340548-CA-C. GRCh37 (hg19) VCF-style: chr13-32914685-CA-C.
Other names: c.6195delA (NM_000059.3); short protein forms V2066fs.
Identifiers: ClinVar variation 629055 (VCV000629055.4), dbSNP rs1566234108, ClinGen allele CA913188536.